The following is an entry in ClinVar:

ClinVar aggregate classification (germline): Uncertain significance. Review status: criteria provided, multiple submitters, no conflicts (2 of 4 stars). 2 submissions from 2 submitters: Uncertain significance (2). Last evaluated 2025-09-17.

Conditions:
Hereditary cancer-predisposing syndrome. Also called: Hereditary Cancer Syndrome; Tumor predisposition; Hereditary neoplastic syndrome; Neoplastic Syndromes, Hereditary. Identifiers: Orphanet 140162, MedGen C0027672, MeSH D009386, MONDO:0015356.

gnomAD v4.1: 1 of 1,614,196 alleles (0.000062%); highest among the groups gnomAD compares: East Asian, 0.0022%; no homozygotes.

Submissions (2):

Ambry Genetics
Classification: Uncertain significance for Hereditary cancer-predisposing syndrome. Last evaluated: 2025-09-17. Review status: criteria provided, single submitter. Criteria: Ambry Variant Classification Scheme 2023. Collection method: clinical testing. Allele origin: germline.
Comment: The p.T172P variant (also known as c.514A>C), located in coding exon 3 of the XRCC2 gene, results from an A to C substitution at nucleotide position 514. The threonine at codon 172 is replaced by proline, an amino acid with highly similar properties. This amino acid position is conserved. In addition, this alteration is predicted to be tolerated by in silico analysis. Based on the available evidence, the clinical significance of this variant remains unclear.

Labcorp Genetics (formerly Invitae), Labcorp
Classification: Uncertain significance. Last evaluated: 2020-05-05. Review status: criteria provided, single submitter. Criteria: Invitae Variant Classification Sherloc (09022015). Collection method: clinical testing. Allele origin: germline.
Comment: This variant has not been reported in the literature in individuals with XRCC2-related conditions. This variant is not present in population databases (ExAC no frequency). This sequence change replaces threonine with proline at codon 172 of the XRCC2 protein (p.Thr172Pro). The threonine residue is moderately conserved and there is a small physicochemical difference between threonine and proline. Algorithms developed to predict the effect of missense changes on protein structure and function are either unavailable or do not agree on the potential impact of this missense change (SIFT: "Deleterious"; PolyPhen-2: "Possibly Damaging"; Align-GVGD: "Class C0"). In summary, the available evidence is currently insufficient to determine the role of this variant in disease. Therefore, it has been classified as a Variant of Uncertain Significance.

NM_005431.2(XRCC2):c.514A>C (p.Thr172Pro)

Gene: XRCC2 (X-ray repair cross complementing 2; minus strand). Cytogenetic location: 7q36.1.
Variant type: single nucleotide variant.
Coding change: c.514A>C on transcript NM_005431.2 (MANE Select); coding-DNA position 514, A replaced by C.
Protein change: p.Thr172Pro; replaces threonine 172 with proline.
Molecular consequence: missense variant.
Genome position (GRCh38, 1-based): chr7:152,648,971, T>G on the plus strand (A>C on the coding strand, the complement: XRCC2 is on the minus strand). VCF-style: chr7-152648971-T-G. GRCh37 (hg19) VCF-style: chr7-152346056-T-G.
Other names: c.514A>C (NM_005431.1); short protein forms T172P.
Identifiers: ClinVar variation 1057354 (VCV001057354.10), dbSNP rs2116987648, ClinGen allele CA370198528.
Genomic context (GRCh38, chr7:152,648,971, plus strand): 5'-AAAGAACCAGGCGATAGTCATTTACAAGCTTCTCTAAGCACTGAGAACATTTCCTCAGAG[T>G]AGACTCCTGTAAGTTCACACTTTCTCCTCCATTGACGCGGTCTATCCAGTAAAAAGCTGA-3'
Protein context (NP_005422.1, residues 162-182): GGESVNLQES[Thr172Pro]LRKCSQCLEK